The following is an entry in ClinVar:

NM_018896.5(CACNA1G):c.2911G>T (p.Glu971Ter)

Gene: CACNA1G (calcium voltage-gated channel subunit alpha1 G; plus strand). Cytogenetic location: 17q21.33.
Variant type: single nucleotide variant.
Coding change: c.2911G>T on transcript NM_018896.5 (MANE Select); coding-DNA position 2911, G replaced by T.
Protein change: p.Glu971Ter; replaces glutamic acid 971 with a stop codon.
Molecular consequence: nonsense. On other transcripts: non-coding transcript variant (3), intron variant (8).
Genome position (GRCh38, 1-based): chr17:50,594,993, G>T. VCF-style: chr17-50594993-G-T. GRCh37 (hg19) VCF-style: chr17-48672354-G-T.
Other names: c.2911G>T, p.Glu971Ter (NM_001256324.2, NM_001256325.2, NM_001256326.2 and 16 more transcripts); c.2911-1569G>T (NM_198396.3, NM_198379.3, NM_198387.3 and 5 more transcripts); short protein forms E971*.
Identifiers: ClinVar variation 1033912 (VCV001033912.1), dbSNP rs2045220988, ClinGen allele CA400250589.
Genomic context (GRCh38, chr17:50,594,993, plus strand): 5'-TCTGAAGGCCCCGAGCGCCTGTGACCAGCAGCCCTCCCCTGCCTCCCCCTTTCCCTGTAG[G>T]AAATCAGCAAACGGGAAGATGCGAGTGGACAGTTAAGCTGTATTCAGCTGCCTGTCGACT-3'

ClinVar aggregate classification (germline): Uncertain significance (1 of 4 stars; one submission).

Conditions:
Spinocerebellar ataxia type 42. Identifiers: Orphanet 458803, MedGen C4225205, MONDO:0014776, OMIM 616795.

Submission:

Baylor Genetics
Classification: Uncertain significance for Spinocerebellar ataxia type 42. Last evaluated: 2018-10-05. Review status: criteria provided, single submitter. Criteria: ACMG Guidelines, 2015. Collection method: clinical testing. Allele origin: unknown. Affected: yes.
Comment: This variant was determined to be of uncertain significance according to ACMG Guidelines, 2015 [PMID:25741868].